The following is an entry in ClinVar:

ClinVar aggregate classification (germline): Likely pathogenic (1 of 4 stars; one submission).

Conditions:
Ehlers-Danlos syndrome, arthrochalasia type, 2. Also called: EHLERS-DANLOS SYNDROME, TYPE VIIB, AUTOSOMAL DOMINANT. Identifiers: MedGen CN293783, MONDO:0040501, OMIM 617821.

Submission:

Laboratorio de Genetica e Diagnostico Molecular, Hospital Israelita Albert Einstein
Classification: Likely pathogenic for Ehlers-Danlos syndrome, arthrochalasia type, 2. Last evaluated: 2021-12-28. Review status: criteria provided, single submitter. Criteria: ACMG Guidelines, 2015. Collection method: clinical testing. Allele origin: germline. Affected: yes.
Comment: ACMG classification criteria: PVS1 very strong, PM2 moderate

NM_000089.4(COL1A2):c.2011del (p.Arg671fs)

Gene: COL1A2 (collagen type I alpha 2 chain; plus strand). Cytogenetic location: 7q21.3.
Variant type: Deletion.
Coding change: c.2011del on transcript NM_000089.4 (MANE Select); coding-DNA position 2011, one base deleted (A; older notation c.2011delA).
Protein change: p.Arg671fs; shifts the reading frame from arginine 671.
Molecular consequence: frameshift variant.
Genome position (GRCh38, 1-based): chr7:94,418,538, A deleted. VCF-style (leftmost placement, unchanged base first): chr7-94418537-CA-C. GRCh37 (hg19) VCF-style: chr7-94047849-CA-C.
Other names: short protein forms R671fs.
Identifiers: ClinVar variation 1683609 (VCV001683609.2), dbSNP rs2115924490, ClinGen allele CA2573142438.